The following is an entry in ClinVar:

NM_001754.5(RUNX1):c.1172C>G (p.Ala391Gly)

Gene: RUNX1 (RUNX family transcription factor 1; minus strand). Cytogenetic location: 21q22.12.
Variant type: single nucleotide variant.
Coding change: c.1172C>G on transcript NM_001754.5 (MANE Select); coding-DNA position 1172, C replaced by G.
Protein change: p.Ala391Gly; replaces alanine 391 with glycine.
Molecular consequence: missense variant.
Genome position (GRCh38, 1-based): chr21:34,792,406, G>C on the plus strand (C>G on the coding strand, the complement: RUNX1 is on the minus strand). VCF-style: chr21-34792406-G-C. GRCh37 (hg19) VCF-style: chr21-36164703-G-C.
Other names: NM_001754.5(RUNX1):c.1172C>G; p.Ala391Gly; c.1091C>G, p.Ala364Gly (NM_001001890.3); short protein forms A364G, A391G.
Identifiers: ClinVar variation 956926 (VCV000956926.11), dbSNP rs1386664717, ClinGen allele CA410147876.
Genomic context (GRCh38, chr21:34,792,406, plus strand): 5'-GCCGAGGCGCCGTAGTACAGGTGGTAGGAGGGCGAGCTGGCTTGGAACGGGCCTCCCTGC[G>C]CTTGCGACGAGCCGGGGTAGGGCGGCGGCAGGTAGGTGTGGTAGCGCGTGGCCGAGCCCA-3'
Protein context (NP_001745.2, residues 381-401): LPPPYPGSSQ[Ala391Gly]QGGPFQASSP

ClinVar aggregate classification (germline): Uncertain significance. Review status: reviewed by expert panel (3 of 4 stars). 3 submissions from 3 submitters: Uncertain significance (1). 2 of the submissions do not count toward it. Last evaluated 2023-11-13.

Conditions:
Hereditary thrombocytopenia and hematological cancer predisposition syndrome associated with RUNX1. Also called: Familial Platelet Disorder with Propensity to Acute Myelogenous Leukemia; Familial thrombocytopenia with propensity to acute myelogenous leukemia; RUNX1 Familial Platelet Disorder with Associated Myeloid Malignancies; PLATELET DISORDER, ASPIRIN-LIKE. Identifiers: Orphanet 71290, MedGen C1832388, MeSH C563324, MONDO:0100083, OMIM 601399.
Hereditary thrombocytopenia and hematologic cancer predisposition syndrome. Identifiers: Orphanet 71290, MedGen CN281654, MONDO:0011071.
Inborn genetic diseases. Identifiers: MedGen C0950123, MeSH D030342.

Allele frequency attached by ClinVar (database versions not stated): gnomAD exomes 0.00001.

Submissions (3):

ClinGen Myeloid Malignancy Variant Curation Expert Panel
Classification: Uncertain significance for Hereditary thrombocytopenia and hematologic cancer predisposition syndrome. Last evaluated: 2023-11-13. Review status: reviewed by expert panel. Criteria: ClinGen MyeloMalig ACMG Specifications v2. Collection method: curation. Allele origin: germline. Inheritance: Autosomal dominant inheritance.
Comment: The c.1172C>G (NM_001754.5) variant in RUNX1 is a missense variant predicted to cause substitution of alanine by glycine at amino acid 391 (p.A391G). The highest population minor allele frequency in gnomAD v2 is 0.00004155 (1/24068 alleles) in the South Asian population, and the variant has not been reported in patients. The computational predictor REVEL gives a score of 0.015, which is below the threshold of 0.50, and the splice site predictor SpliceAI indicated that the variant has no impact on splicing, evidence that does not predict a damaging effect on RUNX1 function (BP4). In summary, this variant meets the criteria to be classified as a VUS for autosomal dominant hereditary thrombocytopenia and hematologic cancer predisposition syndrome based on the ACMG/AMP criteria applied, as specified by the ClinGen Myeloid Malignancy VCEP: BP4.

Ambry Genetics
Classification: Uncertain significance for Inborn genetic diseases. Last evaluated: 2025-03-28. Review status: criteria provided, single submitter. Criteria: Ambry Variant Classification Scheme 2023. Collection method: clinical testing. Allele origin: germline. Not counted in ClinVar's aggregate classification.
Comment: The p.A391G variant (also known as c.1172C>G), located in coding exon 8 of the RUNX1 gene, results from a C to G substitution at nucleotide position 1172. The alanine at codon 391 is replaced by glycine, an amino acid with similar properties. This amino acid position is conserved. In addition, this alteration is predicted to be tolerated by in silico analysis. Based on the available evidence, the clinical significance of this variant remains unclear.

Labcorp Genetics (formerly Invitae), Labcorp
Classification: Uncertain significance for Hereditary thrombocytopenia and hematological cancer predisposition syndrome associated with RUNX1. Last evaluated: 2022-09-07. Review status: criteria provided, single submitter. Criteria: Invitae Variant Classification Sherloc (09022015). Collection method: clinical testing. Allele origin: germline. Not counted in ClinVar's aggregate classification.
Comment: ClinVar contains an entry for this variant (Variation ID: 956926). This variant has not been reported in the literature in individuals affected with RUNX1-related conditions. The frequency data for this variant in the population databases is considered unreliable, as metrics indicate poor data quality at this position in the gnomAD database. This sequence change replaces alanine, which is neutral and non-polar, with glycine, which is neutral and non-polar, at codon 391 of the RUNX1 protein (p.Ala391Gly). In summary, the available evidence is currently insufficient to determine the role of this variant in disease. Therefore, it has been classified as a Variant of Uncertain Significance. Algorithms developed to predict the effect of missense changes on protein structure and function (SIFT, PolyPhen-2, Align-GVGD) all suggest that this variant is likely to be tolerated.